The following is an entry in ClinVar:

ClinVar aggregate classification (germline): Uncertain significance (1 of 4 stars; one submission).

Allele frequency attached by ClinVar (database versions not stated): gnomAD exomes 0.00001; ExAC 0.00002.
gnomAD v4.1: 16 of 1,612,856 alleles (0.00099%); highest among the groups gnomAD compares: Middle Eastern, 0.017%; no homozygotes.

Submission:

Labcorp Genetics (formerly Invitae), Labcorp
Classification: Uncertain significance. Last evaluated: 2022-12-02. Review status: criteria provided, single submitter. Criteria: Invitae Variant Classification Sherloc (09022015). Collection method: clinical testing. Allele origin: germline.
Comment: In summary, the available evidence is currently insufficient to determine the role of this variant in disease. Therefore, it has been classified as a Variant of Uncertain Significance. Algorithms developed to predict the effect of missense changes on protein structure and function (SIFT, PolyPhen-2, Align-GVGD) all suggest that this variant is likely to be tolerated. ClinVar contains an entry for this variant (Variation ID: 1385919). This variant has not been reported in the literature in individuals affected with NPR3-related conditions. This variant is present in population databases (rs781249323, gnomAD 0.003%). This sequence change replaces histidine, which is basic and polar, with tyrosine, which is neutral and polar, at codon 195 of the NPR3 protein (p.His195Tyr).

NM_001204375.2(NPR3):c.583C>T (p.His195Tyr)

Genes: NPR3 (natriuretic peptide receptor 3; plus strand), LOC123493284 (Sharpr-MPRA regulatory region 158; plus strand). Cytogenetic location: 5p13.3.
Variant type: single nucleotide variant.
Coding change: c.583C>T on transcript NM_001204375.2 (MANE Select); coding-DNA position 583, C replaced by T.
Protein change: p.His195Tyr; replaces histidine 195 with tyrosine.
Molecular consequence: missense variant. On other transcripts: intron variant (4).
Genome position (GRCh38, 1-based): chr5:32,712,359, C>T. VCF-style: chr5-32712359-C-T. GRCh37 (hg19) VCF-style: chr5-32712465-C-T.
Other names: c.583C>T, p.His195Tyr (NM_000908.4); c.50-12339C>T (NM_001364458.2); c.121+1576C>T (NM_001363652.2, NM_001204376.2, NM_001364460.2); short protein forms H195Y.
Identifiers: ClinVar variation 1385919 (VCV001385919.6), dbSNP rs781249323, ClinGen allele CA3222390.